The following is an entry in ClinVar:

ClinVar aggregate classification (germline): Conflicting classifications of pathogenicity. Review status: criteria provided, conflicting classifications (1 of 4 stars). 3 submissions from 3 submitters: Uncertain significance (2); Likely benign (1). Last evaluated 2025-09-30.

Conditions:
Inborn genetic diseases. Identifiers: MedGen C0950123, MeSH D030342.

gnomAD v4.1: 32 of 1,613,626 alleles (0.002%); highest among the groups gnomAD compares: Non-Finnish European, 0.0027%; no homozygotes.

Submissions (3):

Labcorp Genetics (formerly Invitae), Labcorp
Classification: Uncertain significance. Last evaluated: 2025-09-30. Review status: criteria provided, single submitter. Criteria: Invitae Variant Classification Sherloc (09022015). Collection method: clinical testing. Allele origin: germline.
Comment: This sequence change replaces isoleucine, which is neutral and non-polar, with valine, which is neutral and non-polar, at codon 341 of the NR2F1 protein (p.Ile341Val). This variant is present in population databases (rs373637336, gnomAD 0.002%). This variant has not been reported in the literature in individuals affected with NR2F1-related conditions. ClinVar contains an entry for this variant (Variation ID: 3670914). Invitae Evidence Modeling of protein sequence and biophysical properties (such as structural, functional, and spatial information, amino acid conservation, physicochemical variation, residue mobility, and thermodynamic stability) indicates that this missense variant is not expected to disrupt NR2F1 protein function with a negative predictive value of 80%. In summary, the available evidence is currently insufficient to determine the role of this variant in disease. Therefore, it has been classified as a Variant of Uncertain Significance.

Ambry Genetics
Classification: Uncertain significance for Inborn genetic diseases. Last evaluated: 2025-05-25. Review status: criteria provided, single submitter. Criteria: Ambry Variant Classification Scheme 2023. Collection method: clinical testing. Allele origin: germline.

Mayo Clinic Laboratories, Mayo Clinic
Classification: Likely benign. Last evaluated: 2025-03-11. Review status: criteria provided, single submitter. Criteria: ACMG Guidelines, 2015. Collection method: clinical testing. Allele origin: germline. Observed: 1 variant allele.
Comment: BS2, BP4_moderate

NM_005654.6(NR2F1):c.1021A>G (p.Ile341Val)

Gene: NR2F1 (nuclear receptor subfamily 2 group F member 1; plus strand). Cytogenetic location: 5q15.
Variant type: single nucleotide variant.
Coding change: c.1021A>G on transcript NM_005654.6 (MANE Select); coding-DNA position 1021, A replaced by G.
Protein change: p.Ile341Val; replaces isoleucine 341 with valine.
Molecular consequence: missense variant.
Genome position (GRCh38, 1-based): chr5:93,593,591, A>G. VCF-style: chr5-93593591-A-G. GRCh37 (hg19) VCF-style: chr5-92929297-A-G.
Other names: p.Ile341Val; c.1021A>G (NM_005654.4); c.571A>G, p.Ile191Val (NM_001410754.1); short protein forms I191V, I341V.
Identifiers: ClinVar variation 3670914 (VCV003670914.4).